The following is an entry in ClinVar:

NM_001170629.2(CHD8):c.3629G>A (p.Arg1210Gln)

Gene: CHD8 (chromodomain helicase DNA binding protein 8; minus strand). Cytogenetic location: 14q11.2.
Variant type: single nucleotide variant.
Coding change: c.3629G>A on transcript NM_001170629.2 (MANE Select); coding-DNA position 3629, G replaced by A.
Protein change: p.Arg1210Gln; replaces arginine 1210 with glutamine.
Molecular consequence: missense variant.
Genome position (GRCh38, 1-based): chr14:21,403,102, C>T on the plus strand (G>A on the coding strand, the complement: CHD8 is on the minus strand). VCF-style: chr14-21403102-C-T. GRCh37 (hg19) VCF-style: chr14-21871261-C-T.
Other names: c.2792G>A, p.Arg931Gln (NM_020920.4); short protein forms R1210Q, R931Q.
Identifiers: ClinVar variation 1702697 (VCV001702697.3), dbSNP rs2139468962, ClinGen allele CA388899877.

ClinVar aggregate classification (germline): Uncertain significance (1 of 4 stars; one submission).

gnomAD v4.1: 1 of 1,613,994 alleles (0.000062%); highest among the groups gnomAD compares: Non-Finnish European, 0.000085%; no homozygotes.

Submission:

GeneDx
Classification: Uncertain significance. Last evaluated: 2026-07-24. Review status: criteria provided, single submitter. Criteria: GeneDx Variant Classification Process June 2021. Collection method: clinical testing. Allele origin: germline.
Comment: Not observed at significant frequency in large population cohorts (gnomAD); In silico analysis supports that this missense variant has a deleterious effect on protein structure/function; In silico analysis suggests this variant may impact gene splicing. In the absence of RNA/functional studies, the actual effect of this sequence change is unknown.; Has not been previously published as pathogenic or benign to our knowledge